The following is an entry in ClinVar:

ClinVar aggregate classification (germline): Uncertain significance. Review status: criteria provided, multiple submitters, no conflicts (2 of 4 stars). 2 submissions from 2 submitters: Uncertain significance (2). Last evaluated 2025-04-11.

Conditions:
Fanconi anemia (FA). Also called: Fanconi's anemia. Identifiers: Orphanet 84, MedGen C0015625, MeSH D005199, MONDO:0019391.
Inborn genetic diseases. Identifiers: MedGen C0950123, MeSH D030342.

Allele frequency attached by ClinVar (database versions not stated): gnomAD exomes below 0.00001.
gnomAD v4.1: 1 of 1,614,254 alleles (0.000062%); highest among the groups gnomAD compares: Admixed American, 0.0017%; no homozygotes.

Submissions (2):

Ambry Genetics
Classification: Uncertain significance for Inborn genetic diseases. Last evaluated: 2025-04-11. Review status: criteria provided, single submitter. Criteria: Ambry Variant Classification Scheme 2023. Collection method: clinical testing. Allele origin: germline.
Comment: The p.S884P variant (also known as c.2650T>C), located in coding exon 28 of the FANCA gene, results from a T to C substitution at nucleotide position 2650. The serine at codon 884 is replaced by proline, an amino acid with similar properties. This amino acid position is conserved. In addition, this alteration is predicted to be tolerated by in silico analysis. Based on the available evidence, the clinical significance of this variant remains unclear.

Labcorp Genetics (formerly Invitae), Labcorp
Classification: Uncertain significance for Fanconi anemia. Last evaluated: 2022-05-14. Review status: criteria provided, single submitter. Criteria: Invitae Variant Classification Sherloc (09022015). Collection method: clinical testing. Allele origin: germline.
Comment: This sequence change replaces serine, which is neutral and polar, with proline, which is neutral and non-polar, at codon 884 of the FANCA protein (p.Ser884Pro). This variant is not present in population databases (gnomAD no frequency). This variant has not been reported in the literature in individuals affected with FANCA-related conditions. Advanced modeling of protein sequence and biophysical properties (such as structural, functional, and spatial information, amino acid conservation, physicochemical variation, residue mobility, and thermodynamic stability) performed at Invitae indicates that this missense variant is not expected to disrupt FANCA protein function. In summary, the available evidence is currently insufficient to determine the role of this variant in disease. Therefore, it has been classified as a Variant of Uncertain Significance.

NM_000135.4(FANCA):c.2650T>C (p.Ser884Pro)

Genes: FANCA (FA complementation group A; minus strand), LOC130059837 (ATAC-STARR-seq lymphoblastoid active region 11420; plus strand). Cytogenetic location: 16q24.3.
Variant type: single nucleotide variant.
Coding change: c.2650T>C on transcript NM_000135.4 (MANE Select); coding-DNA position 2650, T replaced by C.
Protein change: p.Ser884Pro; replaces serine 884 with proline.
Molecular consequence: missense variant.
Genome position (GRCh38, 1-based): chr16:89,765,018, A>G on the plus strand (T>C on the coding strand, the complement: FANCA is on the minus strand). VCF-style: chr16-89765018-A-G. GRCh37 (hg19) VCF-style: chr16-89831426-A-G.
Other names: c.2650T>C, p.Ser884Pro (NM_001286167.3); short protein forms S884P.
Identifiers: ClinVar variation 2155632 (VCV002155632.2), dbSNP rs1341445608, ClinGen allele CA397438731.